The following is an entry in ClinVar:

ClinVar aggregate classification (germline): Pathogenic/Likely pathogenic. Review status: criteria provided, multiple submitters, no conflicts (2 of 4 stars). 3 submissions from 3 submitters: Pathogenic (1); Likely pathogenic (2). Last evaluated 2025-09-05.

Conditions:
Maple syrup urine disease type 1A (MSUD1A). Also called: MSUD type 1A. Identifiers: MedGen C1855369, MONDO:0023691, OMIM 248600.
Maple syrup urine disease (MSUD). Identifiers: Orphanet 511, MedGen C0024776, MeSH D008375, MONDO:0009563. Disease mechanism: loss of function.

Allele frequency attached by ClinVar (database versions not stated): gnomAD exomes below 0.00001.
gnomAD v4.1: 3 of 1,612,976 alleles (0.00019%); highest among the groups gnomAD compares: Non-Finnish European, 0.00025%; no homozygotes.

Submissions (3):

Myriad Genetics, Inc.
Classification: Likely pathogenic for Maple syrup urine disease type 1A. Last evaluated: 2025-09-05. Review status: criteria provided, single submitter. Criteria: Myriad Autosomal Dominant, Autosomal Recessive and X-Linked Classification Criteria (2023). Collection method: clinical testing. Allele origin: unknown.
Comment: NM_000709.3(BCKDHA):c.995+1G>A is a variant in a canonical splice site classified as likely pathogenic in the context of maple syrup urine disease type Ia. c.995+1G>A has been observed in a case with relevant disease (PMID: 16468966). Relevant functional assessments of this variant are not available in the literature. c.995+1G>A has not been observed in referenced population frequency databases. In summary, NM_000709.3(BCKDHA):c.995+1G>A is a variant in a canonical splice site in a gene where loss of function is a known mechanism of disease, is predicted to disrupt protein function, and has been observed more frequently in cases with the relevant disease than in healthy populations. Please note: this variant was assessed in the context of healthy population screening.

Baylor Genetics
Classification: Pathogenic for Maple syrup urine disease type 1A. Last evaluated: 2023-11-28. Review status: criteria provided, single submitter. Criteria: ACMG Guidelines, 2015. Collection method: clinical testing. Allele origin: unknown.

Labcorp Genetics (formerly Invitae), Labcorp
Classification: Likely pathogenic for Maple syrup urine disease. Last evaluated: 2023-06-12. Review status: criteria provided, single submitter. Criteria: Invitae Variant Classification Sherloc (09022015). Collection method: clinical testing. Allele origin: germline.
Comment: This sequence change affects a donor splice site in intron 7 of the BCKDHA gene. It is expected to disrupt RNA splicing. Variants that disrupt the donor or acceptor splice site typically lead to a loss of protein function (PMID: 16199547), and loss-of-function variants in BCKDHA are known to be pathogenic (PMID: 16786533, 22593002). This variant is not present in population databases (gnomAD no frequency). Disruption of this splice site has been observed in individual(s) with maple syrup urine disease (PMID: 31980395). ClinVar contains an entry for this variant (Variation ID: 1929553). Algorithms developed to predict the effect of sequence changes on RNA splicing suggest that this variant may disrupt the consensus splice site. In summary, the currently available evidence indicates that the variant is pathogenic, but additional data are needed to prove that conclusively. Therefore, this variant has been classified as Likely Pathogenic.

Literature cited by the submitters: PubMed 16468966 (cited by Myriad Genetics, Inc.); PubMed 16199547 (cited by Labcorp Genetics (formerly Invitae), Labcorp); PubMed 16786533 (cited by Labcorp Genetics (formerly Invitae), Labcorp); PubMed 22593002 (cited by Labcorp Genetics (formerly Invitae), Labcorp); PubMed 31980395 (cited by Labcorp Genetics (formerly Invitae), Labcorp).

NM_000709.4(BCKDHA):c.995+1G>A

Gene: BCKDHA (branched chain keto acid dehydrogenase E1 subunit alpha; plus strand). Cytogenetic location: 19q13.2.
Variant type: single nucleotide variant.
Coding change: c.995+1G>A on transcript NM_000709.4 (MANE Select); the canonical splice donor site of the intron after coding-DNA position 995, G replaced by A.
Molecular consequence: splice donor variant.
Genome position (GRCh38, 1-based): chr19:41,422,771, G>A. VCF-style: chr19-41422771-G-A. GRCh37 (hg19) VCF-style: chr19-41928676-G-A.
Other names: c.992+1G>A (NM_001164783.2).
Identifiers: ClinVar variation 1929553 (VCV001929553.7), dbSNP rs2039383036, ClinGen allele CA406013556.